The following is an entry in ClinVar:

NM_152594.3(SPRED1):c.964A>G (p.Lys322Glu)

Gene: SPRED1 (sprouty related EVH1 domain containing 1; plus strand). Cytogenetic location: 15q14.
Variant type: single nucleotide variant.
Coding change: c.964A>G on transcript NM_152594.3 (MANE Select); coding-DNA position 964, A replaced by G.
Protein change: p.Lys322Glu; replaces lysine 322 with glutamic acid.
Molecular consequence: missense variant.
Genome position (GRCh38, 1-based): chr15:38,351,293, A>G. VCF-style: chr15-38351293-A-G. GRCh37 (hg19) VCF-style: chr15-38643494-A-G.
Other names: short protein forms K322E.
Identifiers: ClinVar variation 5030136 (VCV005030136.1).

ClinVar aggregate classification (germline): Uncertain significance (1 of 4 stars; one submission).

Conditions:
Cardiovascular phenotype. Identifiers: MedGen CN230736.

gnomAD v4.1: 1 of 1,614,120 alleles (0.000062%); highest among the groups gnomAD compares: Admixed American, 0.0017%; no homozygotes.

Submission:

Ambry Genetics
Classification: Uncertain significance for Cardiovascular phenotype. Last evaluated: 2026-09-03. Review status: criteria provided, single submitter. Criteria: Ambry Variant Classification Scheme 2023. Collection method: clinical testing. Allele origin: germline.
Comment: The p.K322E variant (also known as c.964A>G), located in coding exon 7 of the SPRED1 gene, results from an A to G substitution at nucleotide position 964. The lysine at codon 322 is replaced by glutamic acid, an amino acid with similar properties. This amino acid position is conserved. In addition, the in silico prediction for this alteration is inconclusive. Based on the available evidence, the clinical significance of this variant remains unclear.